The following is an entry in ClinVar:

ClinVar aggregate classification (germline): Conflicting classifications of pathogenicity. Review status: criteria provided, conflicting classifications (1 of 4 stars). 2 submissions from 2 submitters: Uncertain significance (1); Likely benign (1). Last evaluated 2026-05-15.

Conditions:
Hereditary cancer-predisposing syndrome. Also called: Neoplastic Syndromes, Hereditary; Tumor predisposition; Hereditary Cancer Syndrome; Hereditary neoplastic syndrome. Identifiers: Orphanet 140162, MedGen C0027672, MeSH D009386, MONDO:0015356.
Hereditary diffuse gastric adenocarcinoma (HDGC). Also called: DIFFUSE GASTRIC AND LOBULAR BREAST CANCER SYNDROME. Identifiers: Orphanet 26106, MedGen C1708349, MONDO:0007648, OMIM 137215.

Submissions (2):

Ambry Genetics
Classification: Likely benign for Hereditary cancer-predisposing syndrome. Last evaluated: 2026-05-15. Review status: criteria provided, single submitter. Criteria: Ambry Variant Classification Scheme 2023. Collection method: clinical testing. Allele origin: germline.

Labcorp Genetics (formerly Invitae), Labcorp
Classification: Uncertain significance for Hereditary diffuse gastric adenocarcinoma. Last evaluated: 2024-09-04. Review status: criteria provided, single submitter. Criteria: Invitae Variant Classification Sherloc (09022015). Collection method: clinical testing. Allele origin: germline.
Comment: This sequence change replaces threonine, which is neutral and polar, with serine, which is neutral and polar, at codon 331 of the CDH1 protein (p.Thr331Ser). This variant is not present in population databases (gnomAD no frequency). This variant has not been reported in the literature in individuals affected with CDH1-related conditions. ClinVar contains an entry for this variant (Variation ID: 1768634). An algorithm developed to predict the effect of missense changes on protein structure and function outputs the following: PolyPhen-2: "Benign". The serine amino acid residue is found in multiple mammalian species, which suggests that this missense change does not adversely affect protein function. In summary, the available evidence is currently insufficient to determine the role of this variant in disease. Therefore, it has been classified as a Variant of Uncertain Significance.

NM_004360.5(CDH1):c.992C>G (p.Thr331Ser)

Gene: CDH1 (cadherin 1; plus strand). Cytogenetic location: 16q22.1.
Variant type: single nucleotide variant.
Coding change: c.992C>G on transcript NM_004360.5 (MANE Select); coding-DNA position 992, C replaced by G.
Protein change: p.Thr331Ser; replaces threonine 331 with serine.
Molecular consequence: missense variant. On other transcripts: 5 prime UTR variant (2).
Genome position (GRCh38, 1-based): chr16:68,811,843, C>G. VCF-style: chr16-68811843-C-G. GRCh37 (hg19) VCF-style: chr16-68845746-C-G.
Other names: c.992C>G, p.Thr331Ser (NM_001317184.2); c.-624C>G (NM_001317185.2); c.-828C>G (NM_001317186.2); short protein forms T331S.
Identifiers: ClinVar variation 1768634 (VCV001768634.5), dbSNP rs1597894293, ClinGen allele CA396459877.